The following is an entry in ClinVar:

ClinVar aggregate classification (germline): Likely pathogenic (1 of 4 stars; one submission).

Conditions:
Wilson disease (WND). Also called: Wilson's disease. Identifiers: Orphanet 905, MedGen C0019202, MONDO:0010200, OMIM 277900. Disease mechanism: loss of function.

Allele frequency attached by ClinVar (database versions not stated): gnomAD exomes below 0.00001.

Submission:

Laboratory for Molecular Medicine, Mass General Brigham Personalized Medicine
Classification: Likely pathogenic for Wilson disease. Last evaluated: 2020-06-11. Review status: criteria provided, single submitter. Criteria: ACMG Guidelines, 2015. Collection method: clinical testing. Allele origin: germline.
Comment: The p.Ala522ProfsX2 variant in ATP7B has not been previously reported in individuals with Wilson disease and was absent from large population studies. This variant is predicted to cause a frameshift, which alters the protein’s amino acid sequence beginning at position 522 and leads to a premature termination codon 2 amino acids downstream. This alteration is then predicted to lead to a truncated or absent protein. Loss of function of the ATP7B gene is an established disease mechanism in autosomal recessive Wilson disease. In summary, although additional studies are required to fully establish its clinical significance, this variant meets criteria to be classified as likely pathogenic for autosomal recessive Wilson disease. ACMG/AMP Criteria applied: PVS1, PM2.

NM_000053.4(ATP7B):c.1564del (p.Ala522fs)

Gene: ATP7B (ATPase copper transporting beta; minus strand). Cytogenetic location: 13q14.3.
Variant type: Deletion.
Coding change: c.1564del on transcript NM_000053.4 (MANE Select); coding-DNA position 1564, one base deleted (G; older notation c.1564delG).
Protein change: p.Ala522fs; shifts the reading frame from alanine 522.
Molecular consequence: frameshift variant. On other transcripts: intron variant (3).
Genome position (GRCh38, 1-based): chr13:51,968,587, C deleted on the plus strand (G on the coding strand, the reverse complement: ATP7B is on the minus strand). VCF-style (leftmost placement, unchanged base first): chr13-51968586-GC-G. GRCh37 (hg19) VCF-style: chr13-52542722-GC-G.
Other names: c.1564del, p.Ala522fs (NM_001406522.1, NM_001406523.1, NM_001406525.1 and 26 more transcripts); c.1468del, p.Ala490fs (NM_001406530.1, NM_001406536.1, NM_001406517.1 and 3 more transcripts); c.1135del, p.Ala379fs (NM_001406539.1); c.1231del, p.Ala411fs (NM_001243182.2); c.1285+5348del (NM_001406548.1); c.1544-13del (NM_001406524.1, NM_001406514.1); short protein forms A379fs, A411fs, A490fs, A522fs.
Identifiers: ClinVar variation 3075808 (VCV003075808.1), dbSNP rs2547779453, ClinGen allele CA2623118393.
Genomic context (GRCh38, chr13:51,968,586, plus strand): 5'-ATCTCGAGGGGCTGGATGACCTCTGGGTCATACTTGATCTCTGCCTTTCCTGCCATCAAG[GC>G]AACCAACACGGAGAGAACACCTGGAACCATCAGGTCATGGCTGTAACACTCTGGGTGGGC-3'